The following is an entry in ClinVar:

NM_001457.4(FLNB):c.2530G>A (p.Asp844Asn)

Genes: FLNB (filamin B; plus strand), LOC129936935 (ATAC-STARR-seq lymphoblastoid active region 19999; plus strand). Cytogenetic location: 3p14.3.
Variant type: single nucleotide variant.
Coding change: c.2530G>A on transcript NM_001457.4 (MANE Select); coding-DNA position 2530, G replaced by A.
Protein change: p.Asp844Asn; replaces aspartic acid 844 with asparagine.
Molecular consequence: missense variant.
Genome position (GRCh38, 1-based): chr3:58,111,836, G>A. VCF-style: chr3-58111836-G-A. GRCh37 (hg19) VCF-style: chr3-58097563-G-A.
Other names: c.2530G>A, p.Asp844Asn (NM_001164317.2, NM_001164318.2, NM_001164319.2); short protein forms D844N.
Identifiers: ClinVar variation 2861365 (VCV002861365.3), dbSNP rs903531666, ClinGen allele CA75436944.

ClinVar aggregate classification (germline): Uncertain significance (1 of 4 stars; one submission).

Allele frequency attached by ClinVar (database versions not stated): gnomAD exomes below 0.00001; TOPMed below 0.00001; gnomAD 0.00001.
gnomAD v4.1: 3 of 1,614,014 alleles (0.00019%); highest among the groups gnomAD compares: African/African-American, 0.0013%; no homozygotes.

Submission:

Labcorp Genetics (formerly Invitae), Labcorp
Classification: Uncertain significance. Last evaluated: 2023-10-29. Review status: criteria provided, single submitter. Criteria: Invitae Variant Classification Sherloc (09022015). Collection method: clinical testing. Allele origin: germline.
Comment: This sequence change replaces aspartic acid, which is acidic and polar, with asparagine, which is neutral and polar, at codon 844 of the FLNB protein (p.Asp844Asn). This variant is not present in population databases (gnomAD no frequency). This variant has not been reported in the literature in individuals affected with FLNB-related conditions. Advanced modeling of protein sequence and biophysical properties (such as structural, functional, and spatial information, amino acid conservation, physicochemical variation, residue mobility, and thermodynamic stability) performed at Invitae indicates that this missense variant is not expected to disrupt FLNB protein function with a negative predictive value of 95%. In summary, the available evidence is currently insufficient to determine the role of this variant in disease. Therefore, it has been classified as a Variant of Uncertain Significance.